The following is an entry in ClinVar:

ClinVar aggregate classification (germline): Uncertain significance. Review status: criteria provided, multiple submitters, no conflicts (2 of 4 stars). 2 submissions from 2 submitters: Uncertain significance (2). Last evaluated 2025-02-12.

Conditions:
Hereditary cancer-predisposing syndrome. Also called: Hereditary Cancer Syndrome; Hereditary neoplastic syndrome; Tumor predisposition; Neoplastic Syndromes, Hereditary. Identifiers: Orphanet 140162, MedGen C0027672, MeSH D009386, MONDO:0015356.
Rhabdoid tumor predisposition syndrome 2 (RTPS2). Identifiers: Orphanet 231108, Orphanet 69077, MedGen C2750074, MONDO:0013224, OMIM 613325.

Allele frequency attached by ClinVar (database versions not stated): gnomAD exomes below 0.00001; ExAC 0.00001; ESP Exome Variant Server 0.00008.
gnomAD v4.1: 1 of 780,074 alleles (0.00013%); highest among the groups gnomAD compares: Non-Finnish European, 0.00024%; no homozygotes.

Submissions (2):

Labcorp Genetics (formerly Invitae), Labcorp
Classification: Uncertain significance for Rhabdoid tumor predisposition syndrome 2. Last evaluated: 2025-02-12. Review status: criteria provided, single submitter. Criteria: Invitae Variant Classification Sherloc (09022015). Collection method: clinical testing. Allele origin: germline.
Comment: This sequence change falls in intron 26 of the SMARCA4 gene. It does not directly change the encoded amino acid sequence of the SMARCA4 protein. It affects a nucleotide within the consensus splice site. This variant is present in population databases (rs376039891, gnomAD 0.0009%). This variant has not been reported in the literature in individuals affected with SMARCA4-related conditions. ClinVar contains an entry for this variant (Variation ID: 843223). Variants that disrupt the consensus splice site are a relatively common cause of aberrant splicing (PMID: 17576681, 9536098). Studies have shown that this variant is associated with inconclusive levels of altered splicing (internal data). In summary, the available evidence is currently insufficient to determine the role of this variant in disease. Therefore, it has been classified as a Variant of Uncertain Significance.

Ambry Genetics
Classification: Uncertain significance for Hereditary cancer-predisposing syndrome. Last evaluated: 2023-07-06. Review status: criteria provided, single submitter. Criteria: Ambry Variant Classification Scheme 2023. Collection method: clinical testing. Allele origin: germline.
Comment: The c.3775-3C>T intronic variant results from a C to T substitution 3 nucleotides upstream from coding exon 26 in the SMARCA4 gene. This nucleotide position is highly conserved in available vertebrate species. In silico splice site analysis predicts that this alteration will not have any significant effect on splicing. Since supporting evidence is limited at this time, the clinical significance of this alteration remains unclear.

Literature cited by the submitters: PubMed 17576681 (cited by Labcorp Genetics (formerly Invitae), Labcorp); PubMed 9536098 (cited by Labcorp Genetics (formerly Invitae), Labcorp).

NM_003072.5(SMARCA4):c.3775-3C>T

Gene: SMARCA4 (SWI/SNF related BAF chromatin remodeling complex subunit ATPase 4; plus strand). Cytogenetic location: 19p13.2.
Variant type: single nucleotide variant.
Coding change: c.3775-3C>T on transcript NM_003072.5 (MANE Select); 3 bases into the intron before coding-DNA position 3775, C replaced by T.
Molecular consequence: intron variant.
Genome position (GRCh38, 1-based): chr19:11,033,764, C>T. VCF-style: chr19-11033764-C-T. GRCh37 (hg19) VCF-style: chr19-11144440-C-T.
Other names: c.3775-3C>T (NM_001128844.3, NM_001128849.3); c.3774+247C>T (NM_001128847.4, NM_001374457.1, NM_001128845.2 and 2 more transcripts).
Identifiers: ClinVar variation 843223 (VCV000843223.10), dbSNP rs376039891, ClinGen allele CA9204523.